The following is an entry in ClinVar:

NM_000088.4(COL1A1):c.953C>G (p.Pro318Arg)

Gene: COL1A1 (collagen type I alpha 1 chain; minus strand). Cytogenetic location: 17q21.33.
Variant type: single nucleotide variant.
Coding change: c.953C>G on transcript NM_000088.4 (MANE Select); coding-DNA position 953, C replaced by G.
Protein change: p.Pro318Arg; replaces proline 318 with arginine.
Molecular consequence: missense variant.
Genome position (GRCh38, 1-based): chr17:50,196,318, G>C on the plus strand (C>G on the coding strand, the complement: COL1A1 is on the minus strand). VCF-style: chr17-50196318-G-C. GRCh37 (hg19) VCF-style: chr17-48273679-G-C.
Other names: short protein forms P318R.
Identifiers: ClinVar variation 2096976 (VCV002096976.4), dbSNP rs1455264016, ClinGen allele CA400221596.

ClinVar aggregate classification (germline): Uncertain significance (1 of 4 stars; one submission).

Conditions:
Osteogenesis imperfecta type I (OI1). Also called: Lobstein disease; Lobstein's Disease; Osteogenesis imperfecta type 1; Classic Non-deforming Osteogenesis Imperfecta with Blue Sclerae; OI, TYPE I; OSTEOGENESIS IMPERFECTA TARDA. Identifiers: Orphanet 216796, Orphanet 666, MedGen C0023931, MONDO:0008146, OMIM 166200. Disease mechanism: loss of function.

Submission:

Labcorp Genetics (formerly Invitae), Labcorp
Classification: Uncertain significance for Osteogenesis imperfecta type I. Last evaluated: 2022-02-13. Review status: criteria provided, single submitter. Criteria: Invitae Variant Classification Sherloc (09022015). Collection method: clinical testing. Allele origin: germline.
Comment: In summary, the available evidence is currently insufficient to determine the role of this variant in disease. Therefore, it has been classified as a Variant of Uncertain Significance. This sequence change replaces proline, which is neutral and non-polar, with arginine, which is basic and polar, at codon 318 of the COL1A1 protein (p.Pro318Arg). This variant is not present in population databases (gnomAD no frequency). This variant has not been reported in the literature in individuals affected with COL1A1-related conditions. Advanced modeling of protein sequence and biophysical properties (such as structural, functional, and spatial information, amino acid conservation, physicochemical variation, residue mobility, and thermodynamic stability) performed at Invitae indicates that this missense variant is not expected to disrupt COL1A1 protein function.